The following is an entry in ClinVar:

ClinVar aggregate classification (germline): Uncertain significance (1 of 4 stars; one submission).

Conditions:
Familial melanoma. Also called: Hereditary melanoma; Hereditary cutaneous melanoma. Identifiers: Orphanet 618, MedGen C1512419, MONDO:0018961.

Submission:

Labcorp Genetics (formerly Invitae), Labcorp
Classification: Uncertain significance for Familial melanoma. Last evaluated: 2025-11-17. Review status: criteria provided, single submitter. Criteria: Invitae Variant Classification Sherloc (09022015). Collection method: clinical testing. Allele origin: germline.
Comment: The CDKN2A gene encodes two different proteins, p16INK4a and p14ARF, which are translated from alternative transcripts with different open reading frames. Both transcripts have been analyzed. We report either the variant with the higher classification or default to the CDKN2A (p16INK4a) variant. This report therefore includes the details for the CDKN2A (p16INK4a) variant. This sequence change replaces valine, which is neutral and non-polar, with leucine, which is neutral and non-polar, at codon 96 of the CDKN2A (p16INK4a) protein (p.Val96Leu). This variant is not present in population databases (gnomAD no frequency). This variant has not been reported in the literature in individuals affected with CDKN2A (p16INK4a)-related conditions. This variant is also known as c.329G>C (p.Gly110Ala) in the CDKN2A (p14ARF) transcript. ClinVar contains an entry for this variant (Variation ID: 1440968). An algorithm developed to predict the effect of missense changes on protein structure and function (PolyPhen-2) suggests that this variant is likely to be tolerated. In summary, the available evidence is currently insufficient to determine the role of this variant in disease. Therefore, it has been classified as a Variant of Uncertain Significance.

NM_000077.5(CDKN2A):c.286G>C (p.Val96Leu)

Gene: CDKN2A (cyclin dependent kinase inhibitor 2A; minus strand). Cytogenetic location: 9p21.3.
Variant type: single nucleotide variant.
Coding change: c.286G>C on transcript NM_000077.5; coding-DNA position 286, G replaced by C.
Protein change: p.Val96Leu; replaces valine 96 with leucine.
Molecular consequence: missense variant (on NM_000077.6). On other transcripts: 3 prime UTR variant (1).
Genome position (GRCh38, 1-based): chr9:21,971,073, C>G on the plus strand (G>C on the coding strand, the complement: CDKN2A is on the minus strand). VCF-style: chr9-21971073-C-G. GRCh37 (hg19) VCF-style: chr9-21971072-C-G.
Other names: c.286G>C, p.Val96Leu (NM_000077.6, NM_001195132.2); c.133G>C, p.Val45Leu (NM_001363763.2); c.329G>C, p.Gly110Ala (NM_058195.4); c.*209G>C (NM_058197.5); short protein forms V96L, G110A, V45L.
Identifiers: ClinVar variation 1440968 (VCV001440968.8), dbSNP rs1587331506, ClinGen allele CA373086141.